The following is an entry in ClinVar:

ClinVar aggregate classification (germline): Uncertain significance (1 of 4 stars; one submission).

Submission:

Labcorp Genetics (formerly Invitae), Labcorp
Classification: Uncertain significance. Last evaluated: 2022-03-12. Review status: criteria provided, single submitter. Criteria: Invitae Variant Classification Sherloc (09022015). Collection method: clinical testing. Allele origin: germline.
Comment: Algorithms developed to predict the effect of missense changes on protein structure and function (SIFT, PolyPhen-2, Align-GVGD) all suggest that this variant is likely to be disruptive. This variant has not been reported in the literature in individuals affected with GPR179-related conditions. This variant is not present in population databases (gnomAD no frequency). This sequence change replaces glycine, which is neutral and non-polar, with alanine, which is neutral and non-polar, at codon 309 of the GPR179 protein (p.Gly309Ala). In summary, the available evidence is currently insufficient to determine the role of this variant in disease. Therefore, it has been classified as a Variant of Uncertain Significance.

NM_001004334.4(GPR179):c.926G>C (p.Gly309Ala)

Gene: GPR179 (G protein-coupled receptor 179; minus strand). Cytogenetic location: 17q12.
Variant type: single nucleotide variant.
Coding change: c.926G>C on transcript NM_001004334.4 (MANE Select); coding-DNA position 926, G replaced by C.
Protein change: p.Gly309Ala; replaces glycine 309 with alanine.
Molecular consequence: missense variant.
Genome position (GRCh38, 1-based): chr17:38,337,698, C>G on the plus strand (G>C on the coding strand, the complement: GPR179 is on the minus strand). VCF-style: chr17-38337698-C-G. GRCh37 (hg19) VCF-style: chr17-36493581-C-G.
Other names: short protein forms G309A.
Identifiers: ClinVar variation 2109462 (VCV002109462.4), dbSNP rs1260352091, ClinGen allele CA398888147.